The following is an entry in ClinVar:

NM_144668.6(CFAP251):c.3007-4915_3338-930del

Genes: CFAP251 (cilia and flagella associated protein 251; plus strand), LOC124849266 (Sharpr-MPRA regulatory region 10891; plus strand). Cytogenetic location: 12q24.31.
Variant type: Deletion.
Coding change: c.3007-4915_3338-930del on transcript NM_144668.6 (MANE Select); 4915 bases into the intron before coding-DNA position 3007 through 930 bases into the intron before coding-DNA position 3338, 7,922 bases deleted.
Molecular consequence: splice acceptor variant, splice donor variant.
Genome position (GRCh38, 1-based): chr12:121,994,801-122,002,722, 7,922 bases deleted. GRCh37 (hg19): chr12:122,432,707-122,440,628.
Other names: EX20-21DEL.
Identifiers: ClinVar variation 586974 (VCV000586974.5), ClinGen allele CA891843553.

ClinVar aggregate classification (germline): Pathogenic. Review status: no assertion criteria provided (0 of 4 stars). 2 submissions from 2 submitters: Pathogenic (2). Last evaluated 2024-03-04.

Conditions:
Spermatogenic failure 33. Identifiers: MedGen C4748395, MONDO:0029147, OMIM 618152.
Spermatogenic failure 18. Identifiers: MedGen C4539783, MONDO:0054615, OMIM 617576.

Submissions (2):

OMIM
Classification: Pathogenic for SPERMATOGENIC FAILURE 33. Last evaluated: 2024-03-04. Review status: no assertion criteria provided. Collection method: literature only. Allele origin: germline.

Genetics of Infertility and Preimplantation Genetic Diagnosis, Centre Hospitalier Universitaire Grenoble Alpes
Classification: Pathogenic for Spermatogenic failure 18. Last evaluated: 2018-07-17. Review status: no assertion criteria provided. Collection method: research. Allele origin: germline. Inheritance: Autosomal recessive inheritance. Affected: yes. Observed: 7 variant alleles, 7 homozygotes. Clinical features observed: Male infertility (HP:0003251).
Comment: Homozygous male patients are infertile. They present abnormal immotile spermatozoa with multiple morphological abnormalities of the flagella (MMAF phenotype).

Literature cited by the submitters: PubMed 30122540 (cited by OMIM).